The following is an entry in ClinVar:

NM_153460.4(IL17RC):c.951C>T (p.Asp317=)

Gene: IL17RC (interleukin 17 receptor C; plus strand). Cytogenetic location: 3p25.3.
Variant type: single nucleotide variant.
Coding change: c.951C>T on transcript NM_153460.4 (MANE Select); coding-DNA position 951, C replaced by T.
Protein change: p.Asp317=; no amino-acid change (aspartic acid 317 retained).
Molecular consequence: synonymous variant. On other transcripts: non-coding transcript variant (1).
Genome position (GRCh38, 1-based): chr3:9,928,378, C>T. VCF-style: chr3-9928378-C-T. GRCh37 (hg19) VCF-style: chr3-9970062-C-T.
Other names: c.951C>T, p.Asp317= (NM_001203263.2, NM_001203264.2); c.906C>T, p.Asp302= (NM_001203265.2, NM_001367280.1, NM_032732.6); c.912C>T, p.Asp304= (NM_001367278.1); c.831C>T, p.Asp277= (NM_001367279.1); c.1164C>T, p.Asp388= (NM_153461.4).
Identifiers: ClinVar variation 542547 (VCV000542547.19), dbSNP rs151110374, ClinGen allele CA2247076.
Genomic context (GRCh38, chr3:9,928,378, plus strand): 5'-CCAGAACCTCTGGCAAGCCGCCCGACTGCAACTGCTGACCCTGCAGAGCTGGCTGCTGGA[C>T]GCACCGTGCTCGCTGCCCGCAGAAGCGGCACTGTGCTGGCGGGCTCCGGGTGGGGACCCC-3'
Protein context (NP_703190.2, residues 307-327): QLLTLQSWLL[Asp317=]APCSLPAEAA

ClinVar aggregate classification (germline): Benign. Review status: criteria provided, multiple submitters, no conflicts (2 of 4 stars). 2 submissions from 2 submitters: Benign (2). Last evaluated 2026-01-25.

Conditions:
Candidiasis, familial, 9 (CANDF9). Identifiers: Orphanet 1334, MedGen C4225324, MONDO:0014642, OMIM 616445.

Allele frequency attached by ClinVar (database versions not stated): TOPMed 0.00040; ESP Exome Variant Server 0.00069; gnomAD exomes 0.00218; ExAC 0.00241; 1000 Genomes Project 30x 0.00531; 1000 Genomes Project 0.00599.
gnomAD v4.1: 1,875 of 1,604,812 alleles (0.12%); highest among the groups gnomAD compares: South Asian, 1.5%; 16 homozygotes.

Submissions (2):

Labcorp Genetics (formerly Invitae), Labcorp
Classification: Benign for Candidiasis, familial, 9. Last evaluated: 2026-01-25. Review status: criteria provided, single submitter. Criteria: Invitae Variant Classification Sherloc (09022015). Collection method: clinical testing. Allele origin: germline.

CeGaT Center for Human Genetics Tuebingen
Classification: Benign. Last evaluated: 2025-08-01. Review status: criteria provided, single submitter. Criteria: CeGaT Center For Human Genetics Tuebingen Variant Classification Criteria Version 2. Collection method: clinical testing. Allele origin: germline. Affected: yes. Observed: 1 variant allele.
Comment: IL17RC: BP4, BP7, BS1, BS2